The following is an entry in ClinVar:

NM_000211.5(ITGB2):c.1759C>T (p.Arg587Cys)

Gene: ITGB2 (integrin subunit beta 2; minus strand). Cytogenetic location: 21q22.3.
Variant type: single nucleotide variant.
Coding change: c.1759C>T on transcript NM_000211.5 (MANE Select); coding-DNA position 1759, C replaced by T.
Protein change: p.Arg587Cys; replaces arginine 587 with cysteine.
Molecular consequence: missense variant.
Genome position (GRCh38, 1-based): chr21:44,889,394, G>A on the plus strand (C>T on the coding strand, the complement: ITGB2 is on the minus strand). VCF-style: chr21-44889394-G-A. GRCh37 (hg19) VCF-style: chr21-46309309-G-A.
Other names: c.1759C>T, p.Arg587Cys (NM_001127491.3); c.1552C>T, p.Arg518Cys (NM_001303238.2); short protein forms R518C, R587C.
Identifiers: ClinVar variation 4798608 (VCV004798608.1).

ClinVar aggregate classification (germline): Uncertain significance (1 of 4 stars; one submission).

Conditions:
Leukocyte adhesion deficiency 1 (LAD1). Also called: LEUKOCYTE ADHESION DEFICIENCY, TYPE I; LAD 1; Lymphocyte function-associated antigen 1 immunodeficiency; LFA 1 immunodeficiency. Identifiers: Orphanet 2968, Orphanet 99842, MedGen C0398738, MONDO:0007293, OMIM 116920.

gnomAD v4.1: 48 of 1,612,764 alleles (0.003%); highest among the groups gnomAD compares: Admixed American, 0.013%; no homozygotes.

Submission:

Labcorp Genetics (formerly Invitae), Labcorp
Classification: Uncertain significance for Leukocyte adhesion deficiency 1. Last evaluated: 2025-12-11. Review status: criteria provided, single submitter. Criteria: Invitae Variant Classification Sherloc (09022015). Collection method: clinical testing. Allele origin: germline.
Comment: This sequence change replaces arginine, which is basic and polar, with cysteine, which is neutral and slightly polar, at codon 587 of the ITGB2 protein (p.Arg587Cys). This variant is present in population databases (rs202025124, gnomAD 0.008%). This variant has not been reported in the literature in individuals affected with ITGB2-related conditions. Invitae Evidence Modeling of protein sequence and biophysical properties (such as structural, functional, and spatial information, amino acid conservation, physicochemical variation, residue mobility, and thermodynamic stability) has been performed for this missense variant. However, the output from this modeling did not meet the statistical confidence thresholds required to predict the impact of this variant on ITGB2 protein function. In summary, the available evidence is currently insufficient to determine the role of this variant in disease. Therefore, it has been classified as a Variant of Uncertain Significance.